The following is an entry in ClinVar:

NM_006005.3(WFS1):c.646C>A (p.Pro216Thr)

Gene: WFS1 (wolframin ER transmembrane glycoprotein; plus strand). Cytogenetic location: 4p16.1.
Variant type: single nucleotide variant.
Coding change: c.646C>A on transcript NM_006005.3 (MANE Select); coding-DNA position 646, C replaced by A.
Protein change: p.Pro216Thr; replaces proline 216 with threonine.
Molecular consequence: missense variant.
Genome position (GRCh38, 1-based): chr4:6,291,931, C>A. VCF-style: chr4-6291931-C-A. GRCh37 (hg19) VCF-style: chr4-6293658-C-A.
Other names: c.646C>A, p.Pro216Thr (NM_001145853.1); short protein forms P216T.
Identifiers: ClinVar variation 4880980 (VCV004880980.2).

ClinVar aggregate classification (germline): Uncertain significance (1 of 4 stars; one submission).

Submission:

Dasa
Classification: Uncertain significance. Last evaluated: 2026-03-26. Review status: criteria provided, single submitter. Criteria: DASA Assertion Criteria. Collection method: clinical testing. Allele origin: germline.
Comment: NM_006005.3(WFS1):c.646C>A (p.Pro216Thr) is a missense variant that results in the substitution of proline with threonine. This variant is rare in population databases. The currently available literature and clinical evidence are not sufficient to establish a definitive association between this variant and the reported condition. Therefore, this variant is classified as a variant of uncertain significance.